The following is an entry in ClinVar:

NM_001282597.3(CTNNA2):c.669C>T (p.Ala223=)

Gene: CTNNA2 (catenin alpha 2; plus strand). Cytogenetic location: 2p12.
Variant type: single nucleotide variant.
Coding change: c.669C>T on transcript NM_001282597.3 (MANE Select); coding-DNA position 669, C replaced by T.
Protein change: p.Ala223=; no amino-acid change (alanine 223 retained).
Molecular consequence: synonymous variant.
Genome position (GRCh38, 1-based): chr2:79,874,159, C>T. VCF-style: chr2-79874159-C-T. GRCh37 (hg19) VCF-style: chr2-80101285-C-T.
Other names: c.669C>T, p.Ala223= (NM_001164883.2, NM_001399737.1, NM_004389.4); c.771C>T, p.Ala257= (NM_001282598.2).
Identifiers: ClinVar variation 3234311 (VCV003234311.20), dbSNP rs189010355, ClinGen allele CA1735102.

ClinVar aggregate classification (germline): Likely benign (1 of 4 stars; one submission).

Allele frequency attached by ClinVar (database versions not stated): gnomAD exomes 0.00010; ExAC 0.00030; gnomAD 0.00084; ESP Exome Variant Server 0.00088; TOPMed 0.00102; 1000 Genomes Project 0.00140; 1000 Genomes Project 30x 0.00156.
gnomAD v4.1: 276 of 1,614,210 alleles (0.017%); highest among the groups gnomAD compares: African/African-American, 0.32%; 2 homozygotes.

Submission:

CeGaT Center for Human Genetics Tuebingen
Classification: Likely benign. Last evaluated: 2024-04-01. Review status: criteria provided, single submitter. Criteria: CeGaT Center For Human Genetics Tuebingen Variant Classification Criteria Version 2. Collection method: clinical testing. Allele origin: germline. Affected: yes. Observed: 1 variant allele.
Comment: CTNNA2: BP4, BP7